The following is an entry in ClinVar:

ClinVar aggregate classification (germline): Uncertain significance (1 of 4 stars; one submission).

Submission:

GeneDx
Classification: Uncertain significance. Last evaluated: 2024-01-12. Review status: criteria provided, single submitter. Criteria: GeneDx Variant Classification Process June 2021. Collection method: clinical testing. Allele origin: germline. Affected: yes.
Comment: Not observed at significant frequency in large population cohorts (gnomAD); In silico analysis supports that this missense variant has a deleterious effect on protein structure/function; Has not been previously published as pathogenic or benign to our knowledge

NM_006922.4(SCN3A):c.620T>C (p.Val207Ala)

Gene: SCN3A (sodium voltage-gated channel alpha subunit 3; minus strand). Cytogenetic location: 2q24.3.
Variant type: single nucleotide variant.
Coding change: c.620T>C on transcript NM_006922.4 (MANE Select); coding-DNA position 620, T replaced by C.
Protein change: p.Val207Ala; replaces valine 207 with alanine.
Molecular consequence: missense variant. On other transcripts: intron variant (1).
Genome position (GRCh38, 1-based): chr2:165,163,692, A>G on the plus strand (T>C on the coding strand, the complement: SCN3A is on the minus strand). VCF-style: chr2-165163692-A-G. GRCh37 (hg19) VCF-style: chr2-166020202-A-G.
Other names: c.620T>C, p.Val207Ala (NM_001081676.2); c.694+110T>C (NM_001081677.2); short protein forms V207A.
Identifiers: ClinVar variation 3367809 (VCV003367809.1).